The following is an entry in ClinVar:

NM_153240.5(NPHP3):c.2197A>G (p.Lys733Glu)

Genes: NPHP3 (nephrocystin 3; minus strand), NPHP3-ACAD11 (NPHP3-ACAD11 readthrough (NMD candidate); minus strand). Cytogenetic location: 3q22.1.
Variant type: single nucleotide variant.
Coding change: c.2197A>G on transcript NM_153240.5 (MANE Select); coding-DNA position 2197, A replaced by G.
Protein change: p.Lys733Glu; replaces lysine 733 with glutamic acid.
Molecular consequence: missense variant. On other transcripts: non-coding transcript variant (1).
Genome position (GRCh38, 1-based): chr3:132,694,940, T>C on the plus strand (A>G on the coding strand, the complement: NPHP3 is on the minus strand). VCF-style: chr3-132694940-T-C. GRCh37 (hg19) VCF-style: chr3-132413784-T-C.
Other names: c.2197A>G (NM_153240.4); short protein forms K733E.
Identifiers: ClinVar variation 597625 (VCV000597625.8), dbSNP rs150593334, ClinGen allele CA2622078.

ClinVar aggregate classification (germline): Uncertain significance. Review status: criteria provided, multiple submitters, no conflicts (2 of 4 stars). 4 submissions from 4 submitters: Uncertain significance (4). Last evaluated 2026-06-05.

Conditions:
NPHP3-related disorder. Also called: NPHP3-related disorders; NPHP3-related condition. Identifiers: MedGen CN379163.
NPHP3-related Meckel-like syndrome. Also called: Meckel syndrome type 7; GOLDSTON SYNDROME. Identifiers: Orphanet 3032, MedGen C2673885, MONDO:0009966, OMIM 267010.
Renal-hepatic-pancreatic dysplasia 1 (RHPD1). Identifiers: MedGen C3715199, MONDO:0008833, OMIM 208540.
Nephronophthisis 3 (NPHP3). Also called: Adolescent nephronophthisis. Identifiers: Orphanet 655, MedGen C1858392, MONDO:0011456, OMIM 604387.

Allele frequency attached by ClinVar (database versions not stated): gnomAD exomes below 0.00001 and 0.00001; ExAC 0.00001; gnomAD 0.00001; TOPMed 0.00002; ESP Exome Variant Server 0.00008.
gnomAD v4.1: 6 of 1,613,796 alleles (0.00037%); highest among the groups gnomAD compares: African/African-American, 0.008%; no homozygotes.

Submissions (4):

PreventionGenetics, part of Exact Sciences
Classification: Uncertain significance for NPHP3-related condition. Last evaluated: 2026-06-05. Review status: criteria provided, single submitter. Criteria: ACMG Guidelines, 2015. Collection method: clinical testing. Allele origin: germline.
Comment: The NPHP3 c.2197A>G variant is predicted to result in the amino acid substitution p.Lys733Glu. To our knowledge, this variant has not been reported in the literature. This variant is reported in 0.0062% of alleles in individuals of African descent in gnomAD. At this time, the clinical significance of this variant is uncertain due to the absence of conclusive functional and genetic evidence.

Fulgent Genetics
Classification: Uncertain significance for Renal-hepatic-pancreatic dysplasia 1; NPHP3-related Meckel-like syndrome; Nephronophthisis 3. Last evaluated: 2024-01-24. Review status: criteria provided, single submitter. Criteria: ACMG Guidelines, 2015. Collection method: clinical testing. Allele origin: germline.

Eurofins Ntd Llc (ga)
Classification: Uncertain significance. Last evaluated: 2018-06-21. Review status: criteria provided, single submitter. Criteria: EGL ClinVar v180209 classification definitions. Collection method: clinical testing. Allele origin: germline. Observed: 1 variant allele, 1 heterozygote.

Breakthrough Genomics
Classification: Uncertain significance. Review status: criteria provided, single submitter. Criteria: ACMG Guidelines, 2015. Collection method: not provided. Allele origin: germline. Inheritance: Autosomal recessive inheritance. Affected: yes.